The following is an entry in ClinVar:

NM_004608.4(TBX6):c.863G>C (p.Arg288Thr)

Gene: TBX6 (T-box transcription factor 6; minus strand). Cytogenetic location: 16p11.2.
Variant type: single nucleotide variant.
Coding change: c.863G>C on transcript NM_004608.4 (MANE Select); coding-DNA position 863, G replaced by C.
Protein change: p.Arg288Thr; replaces arginine 288 with threonine.
Molecular consequence: missense variant.
Genome position (GRCh38, 1-based): chr16:30,086,828, C>G on the plus strand (G>C on the coding strand, the complement: TBX6 is on the minus strand). VCF-style: chr16-30086828-C-G. GRCh37 (hg19) VCF-style: chr16-30098149-C-G.
Other names: short protein forms R288T.
Identifiers: ClinVar variation 4768894 (VCV004768894.1).
Genomic context (GRCh38, chr16:30,086,828, plus strand): 5'-CTACACTCACCTCCGCTCCCATAGGCCTCTGTGGCTGCTGGCTCTGGGCCCCGCAGTTTC[C>G]TCTTCACACGGGCGTCTCGCTCCCTGGGGAACAGTGGTGGTGATGATGATGATGATGGTG-3'
Protein context (NP_004599.2, residues 278-298): CKRERDARVK[Arg288Thr]KLRGPEPAAT

ClinVar aggregate classification (germline): Uncertain significance (1 of 4 stars; one submission).

gnomAD v4.1: 7 of 1,613,554 alleles (0.00043%); highest among the groups gnomAD compares: Non-Finnish European, 0.00059%; no homozygotes.

Submission:

Labcorp Genetics (formerly Invitae), Labcorp
Classification: Uncertain significance. Last evaluated: 2025-10-14. Review status: criteria provided, single submitter. Criteria: Invitae Variant Classification Sherloc (09022015). Collection method: clinical testing. Allele origin: germline.
Comment: This sequence change replaces arginine, which is basic and polar, with threonine, which is neutral and polar, at codon 288 of the TBX6 protein (p.Arg288Thr). This variant is present in population databases (rs771799426, gnomAD 0.002%). This variant has not been reported in the literature in individuals affected with TBX6-related conditions. Invitae Evidence Modeling of protein sequence and biophysical properties (such as structural, functional, and spatial information, amino acid conservation, physicochemical variation, residue mobility, and thermodynamic stability) indicates that this missense variant is not expected to disrupt TBX6 protein function with a negative predictive value of 80%. In summary, the available evidence is currently insufficient to determine the role of this variant in disease. Therefore, it has been classified as a Variant of Uncertain Significance.